The following is an entry in ClinVar:

ClinVar aggregate classification (germline): Conflicting classifications of pathogenicity. Review status: criteria provided, conflicting classifications (1 of 4 stars). 2 submissions from 2 submitters: Uncertain significance (1); Likely benign (1). Last evaluated 2025-09-22.

Conditions:
Primary ciliary dyskinesia. Also called: Ciliary dyskinesia. Identifiers: Orphanet 244, MedGen C0008780, MONDO:0016575, HP:0012265.

Allele frequency attached by ClinVar (database versions not stated): gnomAD 0.00003; TOPMed 0.00004; ESP Exome Variant Server 0.00008.
gnomAD v4.1: 79 of 1,613,904 alleles (0.0049%); highest among the groups gnomAD compares: Non-Finnish European, 0.0064%; no homozygotes.

Submissions (2):

Labcorp Genetics (formerly Invitae), Labcorp
Classification: Likely benign for Primary ciliary dyskinesia. Last evaluated: 2025-09-22. Review status: criteria provided, single submitter. Criteria: Invitae Variant Classification Sherloc (09022015). Collection method: clinical testing. Allele origin: germline.

Ambry Genetics
Classification: Uncertain significance for Primary ciliary dyskinesia. Last evaluated: 2022-01-12. Review status: criteria provided, single submitter. Criteria: Ambry Variant Classification Scheme 2023. Collection method: clinical testing. Allele origin: germline.
Comment: The p.G3967V variant (also known as c.11900G>T), located in coding exon 73 of the DNAH11 gene, results from a G to T substitution at nucleotide position 11900. The glycine at codon 3967 is replaced by valine, an amino acid with dissimilar properties. This amino acid position is conserved. In addition, the in silico prediction for this alteration is inconclusive. Since supporting evidence is limited at this time, the clinical significance of this alteration remains unclear.

NM_001277115.2(DNAH11):c.11900G>T (p.Gly3967Val)

Gene: DNAH11 (dynein axonemal heavy chain 11; plus strand). Cytogenetic location: 7p15.3.
Variant type: single nucleotide variant.
Coding change: c.11900G>T on transcript NM_001277115.2 (MANE Select); coding-DNA position 11900, G replaced by T.
Protein change: p.Gly3967Val; replaces glycine 3967 with valine.
Molecular consequence: missense variant.
Genome position (GRCh38, 1-based): chr7:21,868,924, G>T. VCF-style: chr7-21868924-G-T. GRCh37 (hg19) VCF-style: chr7-21908542-G-T.
Other names: c.11921G>T, p.Gly3974Val (NM_003777.3); short protein forms G3974V, G3967V.
Identifiers: ClinVar variation 1744669 (VCV001744669.5), dbSNP rs376276056, ClinGen allele CA4182914.